The following is an entry in ClinVar:

NM_020884.7(MYH7B):c.4782-3T>C

Gene: MYH7B (myosin heavy chain 7B; plus strand). Cytogenetic location: 20q11.22.
Variant type: single nucleotide variant.
Coding change: c.4782-3T>C on transcript NM_020884.7 (MANE Select); 3 bases into the intron before coding-DNA position 4782, T replaced by C.
Molecular consequence: intron variant.
Genome position (GRCh38, 1-based): chr20:35,000,290, T>C. VCF-style: chr20-35000290-T-C. GRCh37 (hg19) VCF-style: chr20-33588093-T-C.
Identifiers: ClinVar variation 2891288 (VCV002891288.3), dbSNP rs374046960, ClinGen allele CA9828338.

ClinVar aggregate classification (germline): Uncertain significance (1 of 4 stars; one submission).

Allele frequency attached by ClinVar (database versions not stated): ESP Exome Variant Server 0.00008; ExAC 0.00003; gnomAD 0.00013; TOPMed 0.00022; gnomAD exomes 0.00003.
gnomAD v4.1: 66 of 1,567,254 alleles (0.0042%); highest among the groups gnomAD compares: African/African-American, 0.016%; no homozygotes.

Submission:

Labcorp Genetics (formerly Invitae), Labcorp
Classification: Uncertain significance. Last evaluated: 2025-04-01. Review status: criteria provided, single submitter. Criteria: Invitae Variant Classification Sherloc (09022015). Collection method: clinical testing. Allele origin: germline.
Comment: This sequence change falls in intron 38 of the MYH7B gene. It does not directly change the encoded amino acid sequence of the MYH7B protein. It affects a nucleotide within the consensus splice site. This variant is present in population databases (rs374046960, gnomAD 0.01%). This variant has not been reported in the literature in individuals affected with MYH7B-related conditions. ClinVar contains an entry for this variant (Variation ID: 2891288). Variants that disrupt the consensus splice site are a relatively common cause of aberrant splicing (PMID: 17576681, 9536098). Algorithms developed to predict the effect of sequence changes on RNA splicing suggest that this variant is not likely to affect RNA splicing. In summary, the available evidence is currently insufficient to determine the role of this variant in disease. Therefore, it has been classified as a Variant of Uncertain Significance.

Literature cited by the submitters: PubMed 17576681; PubMed 9536098.